The following is an entry in ClinVar:

NM_000535.7(PMS2):c.2082T>C (p.Asp694=)

Gene: PMS2 (PMS1 homolog 2, mismatch repair system component; minus strand). Cytogenetic location: 7p22.1.
Variant type: single nucleotide variant.
Coding change: c.2082T>C on transcript NM_000535.7 (MANE Select); coding-DNA position 2082, T replaced by C.
Protein change: p.Asp694=; no amino-acid change (aspartic acid 694 retained).
Molecular consequence: synonymous variant. On other transcripts: non-coding transcript variant (1).
Genome position (GRCh38, 1-based): chr7:5,982,916, A>G on the plus strand (T>C on the coding strand, the complement: PMS2 is on the minus strand). VCF-style: chr7-5982916-A-G. GRCh37 (hg19) VCF-style: chr7-6022547-A-G.
Other names: c.1677T>C, p.Asp559= (NM_001322003.2, NM_001322004.2, NM_001322005.2 and 1 more transcripts); c.1926T>C, p.Asp642= (NM_001322006.2); c.1764T>C, p.Asp588= (NM_001322007.2, NM_001322008.2); c.1521T>C, p.Asp507= (NM_001322010.2); c.1149T>C, p.Asp383= (NM_001322011.2, NM_001322012.2); c.1509T>C, p.Asp503= (NM_001322013.2); c.2082T>C, p.Asp694= (NM_001322014.2); c.1773T>C, p.Asp591= (NM_001322015.2).
Identifiers: ClinVar variation 1653070 (VCV001653070.11), dbSNP rs2128703697, ClinGen allele CA453643385.
Genomic context (GRCh38, chr7:5,982,916, plus strand): 5'-CTGCTGCAGCATCTCGAAGTTATACTTCTCGTCCGTGGCATGCTGGTCCACTATGAAGAT[A>G]TCCTCATTCAGTTTGGTTATTATAAATCCCAGGTTAAACTGACCAATGATTTCCATTTCT-3'
Protein context (NP_000526.2, residues 684-704): LGFIITKLNE[Asp694=]IFIVDQHATD

ClinVar aggregate classification (germline): Benign/Likely benign. Review status: criteria provided, multiple submitters, no conflicts (2 of 4 stars). 4 submissions from 4 submitters: Benign (1); Likely benign (3). Last evaluated 2025-09-11.

Conditions:
Hereditary nonpolyposis colorectal neoplasms. Identifiers: MedGen C0009405, MeSH D003123.
Hereditary cancer-predisposing syndrome. Also called: Neoplastic Syndromes, Hereditary; Hereditary Cancer Syndrome; Hereditary neoplastic syndrome; Tumor predisposition. Identifiers: Orphanet 140162, MedGen C0027672, MeSH D009386, MONDO:0015356.
Lynch syndrome 4 (LYNCH4). Also called: Colorectal cancer, hereditary nonpolyposis, type 4; Hereditary non-polyposis colorectal cancer, type 4. Identifiers: Orphanet 144, MedGen C1838333, MONDO:0013699, OMIM 614337. Disease mechanism: loss of function.

Submissions (4):

Color Diagnostics, LLC DBA Color Health
Classification: Likely benign for Hereditary cancer-predisposing syndrome. Last evaluated: 2025-09-11. Review status: criteria provided, single submitter. Criteria: ACMG Guidelines, 2015. Collection method: clinical testing. Allele origin: germline.

Myriad Genetics, Inc.
Classification: Benign for Lynch syndrome 4. Last evaluated: 2025-02-03. Review status: criteria provided, single submitter. Criteria: Myriad Autosomal Dominant, Autosomal Recessive and X-Linked Classification Criteria (2023). Collection method: clinical testing. Allele origin: unknown.
Comment: This variant is considered benign. This variant is a silent/synonymous amino acid change and it is not expected to impact splicing.

Labcorp Genetics (formerly Invitae), Labcorp
Classification: Likely benign for Hereditary nonpolyposis colorectal neoplasms. Last evaluated: 2024-06-03. Review status: criteria provided, single submitter. Criteria: Invitae Variant Classification Sherloc (09022015). Collection method: clinical testing. Allele origin: germline.

Ambry Genetics
Classification: Likely benign for Hereditary cancer-predisposing syndrome. Last evaluated: 2019-05-07. Review status: criteria provided, single submitter. Criteria: Ambry Variant Classification Scheme 2023. Collection method: clinical testing. Allele origin: germline.